The following is an entry in ClinVar:

NM_020366.4(RPGRIP1):c.595G>T (p.Gly199Cys)

Gene: RPGRIP1 (RPGR interacting protein 1; plus strand). Cytogenetic location: 14q11.2.
Variant type: single nucleotide variant.
Coding change: c.595G>T on transcript NM_020366.4 (MANE Select); coding-DNA position 595, G replaced by T.
Protein change: p.Gly199Cys; replaces glycine 199 with cysteine.
Molecular consequence: missense variant.
Genome position (GRCh38, 1-based): chr14:21,303,338, G>T. VCF-style: chr14-21303338-G-T. GRCh37 (hg19) VCF-style: chr14-21771497-G-T.
Other names: short protein forms G199C.
Identifiers: ClinVar variation 1488833 (VCV001488833.6), dbSNP rs777149627, ClinGen allele CA388860461.

ClinVar aggregate classification (germline): Uncertain significance (1 of 4 stars; one submission).

Conditions:
Cone-rod dystrophy 13 (CORD13). Identifiers: Orphanet 1872, MedGen C2750720, MONDO:0011987, OMIM 608194.
Leber congenital amaurosis 6 (LCA6). Identifiers: Orphanet 65, MedGen C1854260, MONDO:0013446, OMIM 613826.

Submission:

Labcorp Genetics (formerly Invitae), Labcorp
Classification: Uncertain significance for Leber congenital amaurosis 6; Cone-rod dystrophy 13. Last evaluated: 2021-11-13. Review status: criteria provided, single submitter. Criteria: Invitae Variant Classification Sherloc (09022015). Collection method: clinical testing. Allele origin: germline.
Comment: In summary, the available evidence is currently insufficient to determine the role of this variant in disease. Therefore, it has been classified as a Variant of Uncertain Significance. Algorithms developed to predict the effect of missense changes on protein structure and function (SIFT, PolyPhen-2, Align-GVGD) all suggest that this variant is likely to be tolerated. This variant has not been reported in the literature in individuals affected with RPGRIP1-related conditions. This variant is not present in population databases (gnomAD no frequency). This sequence change replaces glycine, which is neutral and non-polar, with cysteine, which is neutral and slightly polar, at codon 199 of the RPGRIP1 protein (p.Gly199Cys).